The following is an entry in ClinVar:

ClinVar aggregate classification (germline): Likely benign (0 of 4 stars; one submission).

Conditions:
TTC28-related disorder. Also called: TTC28-related condition.

Submission:

PreventionGenetics, part of Exact Sciences
Classification: Likely benign for TTC28-related condition. Last evaluated: 2024-02-15. Review status: no assertion criteria provided. Collection method: clinical testing. Allele origin: germline.
Comment: This variant is classified as likely benign based on ACMG/AMP sequence variant interpretation guidelines (Richards et al. 2015 PMID: 25741868, with internal and published modifications).

NM_001145418.2(TTC28):c.6174G>C (p.Gly2058=)

Genes: TTC28 (tetratricopeptide repeat domain 28; minus strand), TTC28-AS1 (TTC28 antisense RNA 1; plus strand). Cytogenetic location: 22q12.1.
Variant type: single nucleotide variant.
Coding change: c.6174G>C on transcript NM_001145418.2 (MANE Select); coding-DNA position 6174, G replaced by C.
Protein change: p.Gly2058=; no amino-acid change (glycine 2058 retained).
Molecular consequence: synonymous variant.
Genome position (GRCh38, 1-based): chr22:27,983,493, C>G on the plus strand (G>C on the coding strand, the complement: TTC28 is on the minus strand). VCF-style: chr22-27983493-C-G. GRCh37 (hg19) VCF-style: chr22-28379481-C-G.
Other names: c.6150G>C, p.Gly2050= (NM_001393403.1); c.5820G>C, p.Gly1940= (NM_001393404.1); c.5796G>C, p.Gly1932= (NM_001393405.1).
Identifiers: ClinVar variation 3029195 (VCV003029195.2), dbSNP rs2517644856, ClinGen allele CA514177673.